The following is an entry in ClinVar:

NM_006939.4(SOS2):c.1244T>G (p.Leu415Arg)

Gene: SOS2 (SOS Ras/Rho guanine nucleotide exchange factor 2; minus strand). Cytogenetic location: 14q21.3.
Variant type: single nucleotide variant.
Coding change: c.1244T>G on transcript NM_006939.4 (MANE Select); coding-DNA position 1244, T replaced by G.
Protein change: p.Leu415Arg; replaces leucine 415 with arginine.
Molecular consequence: missense variant.
Genome position (GRCh38, 1-based): chr14:50,160,039, A>C on the plus strand (T>G on the coding strand, the complement: SOS2 is on the minus strand). VCF-style: chr14-50160039-A-C. GRCh37 (hg19) VCF-style: chr14-50626757-A-C.
Other names: c.1145T>G, p.Leu382Arg (NM_001411020.1); short protein forms L382R, L415R.
Identifiers: ClinVar variation 2092299 (VCV002092299.5), dbSNP rs2502992328, ClinGen allele CA389646233.
Genomic context (GRCh38, chr14:50,160,039, plus strand): 5'-ATATCTTTGCCTTCCCATCCATCGATATTTTTCTGAATTTCATTCATTTTTTTGATAGCC[A>C]GGTGTTTGCTTCTTAATTGGTGACTATAAAAAGGGCAAACAGGATCTCTAGAAAAAACAA-3'
Protein context (NP_008870.2, residues 405-425): FYSHQLRSKH[Leu415Arg]AIKKMNEIQK

ClinVar aggregate classification (germline): Uncertain significance. Review status: criteria provided, multiple submitters, no conflicts (2 of 4 stars). 2 submissions from 2 submitters: Uncertain significance (2). Last evaluated 2025-09-18.

Conditions:
Noonan syndrome 9 (NS9). Identifiers: Orphanet 648, MedGen C4225282, MONDO:0014691, OMIM 616559.

Submissions (2):

3billion
Classification: Uncertain significance for Noonan syndrome 9. Last evaluated: 2025-09-18. Review status: criteria provided, single submitter. Criteria: ACMG Guidelines, 2015. Collection method: clinical testing. Allele origin: germline. Affected: yes.
Comment: The variant is not observed in the gnomAD v4.1.0 dataset. Predicted Consequence/Location: Missense variant. Missense changes are a common disease-causing mechanism. The variant has been reported as of uncertain significance (ClinVar ID: VCV002092299). Therefore, this variant is classified as VUS according to the recommendation of ACMG/AMP guideline.

Labcorp Genetics (formerly Invitae), Labcorp
Classification: Uncertain significance for Noonan syndrome 9. Last evaluated: 2022-06-13. Review status: criteria provided, single submitter. Criteria: Invitae Variant Classification Sherloc (09022015). Collection method: clinical testing. Allele origin: germline.
Comment: This variant is not present in population databases (gnomAD no frequency). In summary, the available evidence is currently insufficient to determine the role of this variant in disease. Therefore, it has been classified as a Variant of Uncertain Significance. Algorithms developed to predict the effect of missense changes on protein structure and function are either unavailable or do not agree on the potential impact of this missense change (SIFT: "Deleterious"; PolyPhen-2: "Benign"; Align-GVGD: "Class C0"). This variant has not been reported in the literature in individuals affected with SOS2-related conditions. This sequence change replaces leucine, which is neutral and non-polar, with arginine, which is basic and polar, at codon 415 of the SOS2 protein (p.Leu415Arg).